The following is an entry in ClinVar:

ClinVar aggregate classification (germline): Pathogenic. Review status: criteria provided, multiple submitters, no conflicts (2 of 4 stars). 2 submissions from 2 submitters: Pathogenic (2). Last evaluated 2025-06-10.

Conditions:
Hereditary cancer-predisposing syndrome. Also called: Neoplastic Syndromes, Hereditary; Tumor predisposition; Hereditary neoplastic syndrome; Hereditary Cancer Syndrome. Identifiers: Orphanet 140162, MedGen C0027672, MeSH D009386, MONDO:0015356.
Familial cancer of breast. Also called: BREAST CANCER, FAMILIAL; Hereditary breast cancer; hereditary breast carcinoma. Identifiers: Orphanet 227535, MedGen C0346153, MONDO:0016419, OMIM 114480. Disease mechanism: loss of function.

Submissions (2):

Ambry Genetics
Classification: Pathogenic for Hereditary cancer-predisposing syndrome. Last evaluated: 2025-06-10. Review status: criteria provided, single submitter. Criteria: Ambry Variant Classification Scheme 2023. Collection method: clinical testing. Allele origin: germline.
Comment: The c.1209_1228del20insTTC pathogenic mutation, located in coding exon 8 of the ATM gene, results from the deletion of 20 nucleotides and insertion of 3 nucleotides causing a translational frameshift with a predicted alternate stop codon (p.Q404Sfs*20). This variant is considered to be rare based on population cohorts in the Genome Aggregation Database (gnomAD). This alteration is expected to result in loss of function by premature protein truncation or nonsense-mediated mRNA decay. As such, this alteration is interpreted as a disease-causing mutation.

Myriad Genetics, Inc.
Classification: Pathogenic for Familial cancer of breast. Last evaluated: 2024-01-12. Review status: criteria provided, single submitter. Criteria: Myriad Autosomal Dominant, Autosomal Recessive and X-Linked Classification Criteria (2023). Collection method: clinical testing. Allele origin: unknown.
Comment: This variant is considered pathogenic. This variant creates a frameshift predicted to result in premature protein truncation.

NM_000051.4(ATM):c.1209_1228delinsTTC (p.Gln404fs)

Gene: ATM (ATM serine/threonine kinase; plus strand). Cytogenetic location: 11q22.3.
Variant type: Indel.
Coding change: c.1209_1228delinsTTC on transcript NM_000051.4 (MANE Select); coding-DNA positions 1209 to 1228, ACAGAATGATTTTGATCTTG replaced by TTC.
Protein change: p.Gln404fs; shifts the reading frame from glutamine 404.
Molecular consequence: frameshift variant.
Genome position (GRCh38, 1-based): chr11:108,249,076-108,249,095, ACAGAATGATTTTGATCTTG replaced by TTC. VCF-style: chr11-108249076-ACAGAATGATTTTGATCTTG-TTC. GRCh37 (hg19) VCF-style: chr11-108119803-ACAGAATGATTTTGATCTTG-TTC.
Other names: c.1209_1228delinsTTC, p.Gln404fs (NM_001351834.2); short protein forms Q404fs.
Identifiers: ClinVar variation 3148827 (VCV003148827.2), dbSNP rs2497213233, ClinGen allele CA2825001770.